The following is an entry in ClinVar:

ClinVar aggregate classification (germline): Conflicting classifications of pathogenicity. Review status: criteria provided, conflicting classifications (1 of 4 stars). 7 submissions from 6 submitters: Uncertain significance (2); Likely benign (4). 1 of the submissions does not count toward it. Last evaluated 2026-01-27.

Conditions:
CYP4V2-related disorder. Also called: CYP4V2-related condition; CYP4V2-related disorders.
Corneal dystrophy. Identifiers: Orphanet 34533, MedGen C0010036, MONDO:0018102, HP:0001131.
Bietti crystalline corneoretinal dystrophy (BCD). Also called: Bietti Crystalline Dystrophy; BIETTI TAPETORETINAL DEGENERATION WITH MARGINAL CORNEAL DYSTROPHY. Identifiers: Orphanet 41751, MedGen C1859486, MONDO:0008865, OMIM 210370.

Allele frequency attached by ClinVar (database versions not stated): 1000 Genomes Project 0.00180; 1000 Genomes Project 30x 0.00203; TOPMed 0.00270; ExAC 0.00285; gnomAD 0.00292 and 0.00299; gnomAD exomes 0.00293 and 0.00431; ESP Exome Variant Server 0.00315.
gnomAD v4.1: 6,667 of 1,614,174 alleles (0.41%); highest among the groups gnomAD compares: Non-Finnish European, 0.49%; 13 homozygotes.

Submissions (7):

Labcorp Genetics (formerly Invitae), Labcorp
Classification: Likely benign. Last evaluated: 2026-01-27. Review status: criteria provided, single submitter. Criteria: Invitae Variant Classification Sherloc (09022015). Collection method: clinical testing. Allele origin: germline.

CeGaT Center for Human Genetics Tuebingen
Classification: Likely benign. Last evaluated: 2025-04-01. Review status: criteria provided, single submitter. Criteria: CeGaT Center For Human Genetics Tuebingen Variant Classification Criteria Version 2. Collection method: clinical testing. Allele origin: germline. Affected: yes. Observed: 5 variant alleles.
Comment: CYP4V2: BS1

Blueprint Genetics
Classification: Likely benign. Last evaluated: 2024-11-12. Review status: criteria provided, single submitter. Criteria: ACMG Guidelines, 2015. Collection method: clinical testing. Allele origin: germline.

Dubai Health Genomic Medicine Center, Dubai Health
Classification: Likely benign for Bietti crystalline corneoretinal dystrophy. Last evaluated: 2019-12-26. Review status: criteria provided, single submitter. Criteria: ACMG Guidelines, 2015. Collection method: clinical testing. Allele origin: germline. Affected: yes.

Illumina Laboratory Services, Illumina
Classification: Uncertain significance for Corneal dystrophy. Last evaluated: 2018-01-13. Review status: criteria provided, single submitter. Criteria: ICSL Variant Classification Criteria 13 December 2019. Collection method: clinical testing. Allele origin: germline.

Illumina Laboratory Services, Illumina
Classification: Uncertain significance for Bietti crystalline corneoretinal dystrophy. Last evaluated: 2018-01-13. Review status: criteria provided, single submitter. Criteria: ICSL Variant Classification Criteria 13 December 2019. Collection method: clinical testing. Allele origin: germline.

PreventionGenetics, part of Exact Sciences
Classification: Likely benign for CYP4V2-related condition. Last evaluated: 2020-12-16. Review status: no assertion criteria provided. Collection method: clinical testing. Allele origin: germline. Not counted in ClinVar's aggregate classification.
Comment: This variant is classified as likely benign based on ACMG/AMP sequence variant interpretation guidelines (Richards et al. 2015 PMID: 25741868, with internal and published modifications).

NM_207352.4(CYP4V2):c.610G>A (p.Ala204Thr)

Gene: CYP4V2 (cytochrome P450 family 4 subfamily V member 2; plus strand). Cytogenetic location: 4q35.1.
Variant type: single nucleotide variant.
Coding change: c.610G>A on transcript NM_207352.4 (MANE Select); coding-DNA position 610, G replaced by A.
Protein change: p.Ala204Thr; replaces alanine 204 with threonine.
Molecular consequence: missense variant.
Genome position (GRCh38, 1-based): chr4:186,197,538, G>A. VCF-style: chr4-186197538-G-A. GRCh37 (hg19) VCF-style: chr4-187118692-G-A.
Other names: short protein forms A204T.
Identifiers: ClinVar variation 493404 (VCV000493404.61), dbSNP rs61745524, ClinGen allele CA3162612.